The following is an entry in ClinVar:

ClinVar aggregate classification (germline): Uncertain significance (1 of 4 stars; one submission).

Allele frequency attached by ClinVar (database versions not stated): gnomAD exomes below 0.00001 and 0.00001; TOPMed 0.00001.
gnomAD v4.1: 8 of 1,586,910 alleles (0.0005%); highest among the groups gnomAD compares: African/African-American, 0.0014%; no homozygotes.

Submission:

Labcorp Genetics (formerly Invitae), Labcorp
Classification: Uncertain significance. Last evaluated: 2022-06-05. Review status: criteria provided, single submitter. Criteria: Invitae Variant Classification Sherloc (09022015). Collection method: clinical testing. Allele origin: germline.
Comment: This sequence change replaces serine, which is neutral and polar, with glycine, which is neutral and non-polar, at codon 3015 of the CPLANE1 protein (p.Ser3015Gly). This variant is present in population databases (no rsID available, gnomAD 0.002%). In summary, the available evidence is currently insufficient to determine the role of this variant in disease. Therefore, it has been classified as a Variant of Uncertain Significance. Advanced modeling of protein sequence and biophysical properties (such as structural, functional, and spatial information, amino acid conservation, physicochemical variation, residue mobility, and thermodynamic stability) performed at Invitae indicates that this missense variant is not expected to disrupt CPLANE1 protein function. ClinVar contains an entry for this variant (Variation ID: 1449530). This variant has not been reported in the literature in individuals affected with CPLANE1-related conditions.

NM_001384732.1(CPLANE1):c.9205A>G (p.Ser3069Gly)

Gene: CPLANE1 (ciliogenesis and planar polarity effector complex subunit 1; minus strand). Cytogenetic location: 5p13.2.
Variant type: single nucleotide variant.
Coding change: c.9205A>G on transcript NM_001384732.1 (MANE Select); coding-DNA position 9205, A replaced by G.
Protein change: p.Ser3069Gly; replaces serine 3069 with glycine.
Molecular consequence: missense variant.
Genome position (GRCh38, 1-based): chr5:37,120,321, T>C on the plus strand (A>G on the coding strand, the complement: CPLANE1 is on the minus strand). VCF-style: chr5-37120321-T-C. GRCh37 (hg19) VCF-style: chr5-37120423-T-C.
Other names: c.9043A>G, p.Ser3015Gly (NM_023073.4); short protein forms S3069G, S3015G.
Identifiers: ClinVar variation 1449530 (VCV001449530.4), dbSNP rs1366020937, ClinGen allele CA359494173.